The following is an entry in ClinVar:

NM_014611.3(MDN1):c.15704A>C (p.Glu5235Ala)

Genes: MDN1 (midasin AAA ATPase 1; minus strand), MDN1-AS1 (MDN1 antisense RNA 1; plus strand). Cytogenetic location: 6q15.
Variant type: single nucleotide variant.
Coding change: c.15704A>C on transcript NM_014611.3 (MANE Select); coding-DNA position 15704, A replaced by C.
Protein change: p.Glu5235Ala; replaces glutamic acid 5235 with alanine.
Molecular consequence: missense variant.
Genome position (GRCh38, 1-based): chr6:89,653,113, T>G on the plus strand (A>C on the coding strand, the complement: MDN1 is on the minus strand). VCF-style: chr6-89653113-T-G. GRCh37 (hg19) VCF-style: chr6-90362832-T-G.
Other names: c.15704A>C (NM_014611.1); short protein forms E5235A.
Identifiers: ClinVar variation 3046141 (VCV003046141.3), dbSNP rs149359389, ClinGen allele CA3922171.

ClinVar aggregate classification (germline): Uncertain significance. Review status: criteria provided, single submitter (1 of 4 stars). 2 submissions from 2 submitters: Uncertain significance (1). 1 of the submissions does not count toward it. Last evaluated 2022-01-03.

Conditions:
MDN1-related disorder. Also called: MDN1-related condition.

Allele frequency attached by ClinVar (database versions not stated): gnomAD exomes 0.00003; ExAC 0.00010; ESP Exome Variant Server 0.00023; gnomAD 0.00036; TOPMed 0.00039.
gnomAD v4.1: 104 of 1,614,060 alleles (0.0064%); highest among the groups gnomAD compares: African/African-American, 0.12%; no homozygotes.

Submissions (2):

Ambry Genetics
Classification: Uncertain significance. Last evaluated: 2022-01-03. Review status: criteria provided, single submitter. Criteria: Ambry Variant Classification Scheme 2023. Collection method: clinical testing. Allele origin: germline.

PreventionGenetics, part of Exact Sciences
Classification: Likely benign for MDN1-related condition. Last evaluated: 2022-07-06. Review status: no assertion criteria provided. Collection method: clinical testing. Allele origin: germline. Not counted in ClinVar's aggregate classification.
Comment: This variant is classified as likely benign based on ACMG/AMP sequence variant interpretation guidelines (Richards et al. 2015 PMID: 25741868, with internal and published modifications).